The following is an entry in ClinVar:

NM_004444.5(EPHB4):c.2485-2A>T

Genes: EPHB4 (EPH receptor B4; minus strand), LOC126860124 (CDK7 strongly-dependent group 2 enhancer GRCh37_chr7:100403701-100404900; plus strand). Cytogenetic location: 7q22.1.
Variant type: single nucleotide variant.
Coding change: c.2485-2A>T on transcript NM_004444.5 (MANE Select); the canonical splice acceptor site of the intron before coding-DNA position 2485, A replaced by T.
Molecular consequence: splice acceptor variant.
Genome position (GRCh38, 1-based): chr7:100,805,696, T>A on the plus strand (A>T on the coding strand, the complement: EPHB4 is on the minus strand). VCF-style: chr7-100805696-T-A. GRCh37 (hg19) VCF-style: chr7-100403318-T-A.
Identifiers: ClinVar variation 1474691 (VCV001474691.6), dbSNP rs2116414460, ClinGen allele CA368567306.

ClinVar aggregate classification (germline): Likely pathogenic (1 of 4 stars; one submission).

Submission:

Labcorp Genetics (formerly Invitae), Labcorp
Classification: Likely pathogenic. Last evaluated: 2025-08-26. Review status: criteria provided, single submitter. Criteria: Invitae Variant Classification Sherloc (09022015). Collection method: clinical testing. Allele origin: germline.
Comment: This sequence change affects an acceptor splice site in intron 14 of the EPHB4 gene. It is expected to disrupt RNA splicing. Variants that disrupt the donor or acceptor splice site typically lead to a loss of protein function (PMID: 16199547), and loss-of-function variants in EPHB4 are known to be pathogenic (PMID: 28687708). This variant is not present in population databases (gnomAD no frequency). This variant has not been reported in the literature in individuals affected with EPHB4-related conditions. ClinVar contains an entry for this variant (Variation ID: 1474691). Algorithms developed to predict the effect of sequence changes on RNA splicing suggest that this variant may disrupt the consensus splice site. In summary, the currently available evidence indicates that the variant is pathogenic, but additional data are needed to prove that conclusively. Therefore, this variant has been classified as Likely Pathogenic.

Literature cited by the submitters: PubMed 16199547; PubMed 28687708.